The following is an entry in ClinVar:

ClinVar aggregate classification (germline): Uncertain significance (1 of 4 stars; one submission).

Allele frequency attached by ClinVar (database versions not stated): TOPMed 0.00001; gnomAD 0.00002.

Submission:

Labcorp Genetics (formerly Invitae), Labcorp
Classification: Uncertain significance. Last evaluated: 2022-10-16. Review status: criteria provided, single submitter. Criteria: Invitae Variant Classification Sherloc (09022015). Collection method: clinical testing. Allele origin: germline.
Comment: Algorithms developed to predict the effect of missense changes on protein structure and function (SIFT, PolyPhen-2, Align-GVGD) all suggest that this variant is likely to be disruptive. ClinVar contains an entry for this variant (Variation ID: 1517925). This variant has not been reported in the literature in individuals affected with RIMS1-related conditions. This variant is not present in population databases (gnomAD no frequency). This sequence change replaces serine, which is neutral and polar, with asparagine, which is neutral and polar, at codon 794 of the RIMS1 protein (p.Ser794Asn). In summary, the available evidence is currently insufficient to determine the role of this variant in disease. Therefore, it has been classified as a Variant of Uncertain Significance.

NM_014989.7(RIMS1):c.2381G>A (p.Ser794Asn)

Gene: RIMS1 (regulating synaptic membrane exocytosis 1; plus strand). Cytogenetic location: 6q13.
Variant type: single nucleotide variant.
Coding change: c.2381G>A on transcript NM_014989.7 (MANE Select); coding-DNA position 2381, G replaced by A.
Protein change: p.Ser794Asn; replaces serine 794 with asparagine.
Molecular consequence: missense variant.
Genome position (GRCh38, 1-based): chr6:72,250,929, G>A. VCF-style: chr6-72250929-G-A. GRCh37 (hg19) VCF-style: chr6-72960632-G-A.
Other names: c.803G>A, p.Ser268Asn (NM_001168407.2, NM_001168408.2, NM_001350414.2 and 37 more transcripts); c.560G>A, p.Ser187Asn (NM_001168409.2, NM_001350461.2, NM_001350463.2 and 6 more transcripts); c.758G>A, p.Ser253Asn (NM_001168410.2, NM_001350470.2, NM_001350472.2 and 2 more transcripts); c.734G>A, p.Ser245Asn (NM_001350421.2, NM_001350424.2, NM_001350428.2 and 6 more transcripts); short protein forms S794N, S187N, S245N, S253N, S268N.
Identifiers: ClinVar variation 1517925 (VCV001517925.8), dbSNP rs1371294816, ClinGen allele CA364679205.
Genomic context (GRCh38, chr6:72,250,929, plus strand): 5'-AGATGGCAGCATGTACTTGCTTTTTCATTTACAAAACATACTTATTTTTCAGTGATAAAA[G>A]TAAAAGGAGGACCAAAACAGTAAAGAAAATACTAGAACCAAAATGGAATCAAACTTTTGT-3'
Protein context (NP_055804.2, residues 784-804): MYFLPDRSDK[Ser794Asn]KRRTKTVKKI